The following is an entry in ClinVar:

ClinVar aggregate classification (germline): Uncertain significance (1 of 4 stars; one submission).

Conditions:
Inborn genetic diseases. Identifiers: MedGen C0950123, MeSH D030342.

gnomAD v4.1: 2 of 1,612,296 alleles (0.00012%); highest among the groups gnomAD compares: South Asian, 0.0011%; no homozygotes.

Submission:

Ambry Genetics
Classification: Uncertain significance for Inborn genetic diseases. Last evaluated: 2026-01-09. Review status: criteria provided, single submitter. Criteria: Ambry Variant Classification Scheme 2023. Collection method: clinical testing. Allele origin: germline.
Comment: The c.1064G>T (p.R355L) alteration is located in exon 2 (coding exon 2) of the JPH3 gene. This alteration results from a G to T substitution at nucleotide position 1064, causing the arginine (R) at amino acid position 355 to be replaced by a leucine (L). Based on data from gnomAD, the T allele has an overall frequency of <0.001% (0/247306) total alleles studied. The highest observed frequency was <0.001% (/) of alleles. Based on insufficient or conflicting evidence, the clinical significance of this alteration remains unclear.

NM_020655.4(JPH3):c.1064G>T (p.Arg355Leu)

Gene: JPH3 (junctophilin 3; plus strand). Cytogenetic location: 16q24.2.
Variant type: single nucleotide variant.
Coding change: c.1064G>T on transcript NM_020655.4 (MANE Select); coding-DNA position 1064, G replaced by T.
Protein change: p.Arg355Leu; replaces arginine 355 with leucine.
Molecular consequence: missense variant. On other transcripts: non-coding transcript variant (1).
Genome position (GRCh38, 1-based): chr16:87,644,939, G>T. VCF-style: chr16-87644939-G-T. GRCh37 (hg19) VCF-style: chr16-87678545-G-T.
Other names: short protein forms R355L.
Identifiers: ClinVar variation 4839179 (VCV004839179.1).
Genomic context (GRCh38, chr16:87,644,939, plus strand): 5'-AGGGCAAGTACAAGCAGAACATCCTCGTCGGCGGCAAGCGCAAGAACCTCATCCCCCTGC[G>T]GGCCAGCAAGATCCGCGAGAAGGTGGACCGCGCCGTTGAGGCCGCTGAGCGGGCCGCCAC-3'
Protein context (NP_065706.2, residues 345-365): GGKRKNLIPL[Arg355Leu]ASKIREKVDR